The following is an entry in ClinVar:

NM_001429.4(EP300):c.2998-13C>T

Genes: EP300 (EP300 lysine acetyltransferase; plus strand), LOC126863158 (BRD4-independent group 4 enhancer GRCh37_chr22:41547383-41548582; plus strand). Cytogenetic location: 22q13.2.
Variant type: single nucleotide variant.
Coding change: c.2998-13C>T on transcript NM_001429.4 (MANE Select); 13 bases into the intron before coding-DNA position 2998, C replaced by T.
Molecular consequence: intron variant.
Genome position (GRCh38, 1-based): chr22:41,152,193, C>T. VCF-style: chr22-41152193-C-T. GRCh37 (hg19) VCF-style: chr22-41548197-C-T.
Other names: c.2920-13C>T (NM_001362843.2); c.2998-13C>T (NM_001429.3).
Identifiers: ClinVar variation 2192256 (VCV002192256.6), dbSNP rs201289885, ClinGen allele CA10253024.

ClinVar aggregate classification (germline): Likely benign. Review status: criteria provided, single submitter (1 of 4 stars). 2 submissions from 2 submitters: Likely benign (1). 1 of the submissions does not count toward it. Last evaluated 2024-10-16.

Conditions:
EP300-related disorder. Also called: EP300-related disorders; EP300-related condition.
Rubinstein-Taybi syndrome due to EP300 haploinsufficiency. Also called: EP300-Related Rubinstein-Taybi Syndrome; RUBINSTEIN-TAYBI SYNDROME 2. Identifiers: Orphanet 353284, Orphanet 783, MedGen C3150941, MONDO:0013364, OMIM 613684.

Allele frequency attached by ClinVar (database versions not stated): ExAC 0.00003; ESP Exome Variant Server 0.00008.
gnomAD v4.1: 64 of 1,613,296 alleles (0.004%); highest among the groups gnomAD compares: Middle Eastern, 0.017%; no homozygotes.

Submissions (2):

Labcorp Genetics (formerly Invitae), Labcorp
Classification: Likely benign for Rubinstein-Taybi syndrome due to EP300 haploinsufficiency. Last evaluated: 2024-10-16. Review status: criteria provided, single submitter. Criteria: Invitae Variant Classification Sherloc (09022015). Collection method: clinical testing. Allele origin: germline.

PreventionGenetics, part of Exact Sciences
Classification: Likely benign for EP300-related condition. Last evaluated: 2022-02-02. Review status: no assertion criteria provided. Collection method: clinical testing. Allele origin: germline. Not counted in ClinVar's aggregate classification.
Comment: This variant is classified as likely benign based on ACMG/AMP sequence variant interpretation guidelines (Richards et al. 2015 PMID: 25741868, with internal and published modifications).